The following is an entry in ClinVar:

ClinVar aggregate classification (germline): Benign/Likely benign. Review status: criteria provided, multiple submitters, no conflicts (2 of 4 stars). 4 submissions from 4 submitters: Benign (1); Likely benign (3). Last evaluated 2024-12-31.

Conditions:
Hereditary nonpolyposis colorectal neoplasms. Identifiers: MedGen C0009405, MeSH D003123.
Hereditary cancer-predisposing syndrome. Also called: Neoplastic Syndromes, Hereditary; Hereditary Cancer Syndrome; Tumor predisposition; Hereditary neoplastic syndrome. Identifiers: Orphanet 140162, MedGen C0027672, MeSH D009386, MONDO:0015356.
Lynch syndrome 5 (LYNCH5). Also called: Colorectal cancer, hereditary nonpolyposis, type 5; Hereditary non-polyposis colorectal cancer, type 5. Identifiers: Orphanet 144, MedGen C1833477, MONDO:0013710, OMIM 614350. Disease mechanism: loss of function.

Submissions (4):

Myriad Genetics, Inc.
Classification: Benign for Lynch syndrome 5. Last evaluated: 2024-12-31. Review status: criteria provided, single submitter. Criteria: Myriad Autosomal Dominant, Autosomal Recessive and X-Linked Classification Criteria (2023). Collection method: clinical testing. Allele origin: unknown.
Comment: This variant is considered benign. This variant is a silent/synonymous amino acid change and it is not expected to impact splicing.

Labcorp Genetics (formerly Invitae), Labcorp
Classification: Likely benign for Hereditary nonpolyposis colorectal neoplasms. Last evaluated: 2024-06-04. Review status: criteria provided, single submitter. Criteria: Invitae Variant Classification Sherloc (09022015). Collection method: clinical testing. Allele origin: germline.

Blueprint Genetics
Classification: Likely benign. Last evaluated: 2023-11-17. Review status: criteria provided, single submitter. Criteria: ACMG Guidelines, 2015. Collection method: clinical testing. Allele origin: germline.

Ambry Genetics
Classification: Likely benign for Hereditary cancer-predisposing syndrome. Last evaluated: 2018-01-29. Review status: criteria provided, single submitter. Criteria: Ambry Variant Classification Scheme 2023. Collection method: clinical testing. Allele origin: germline.

NM_000179.3(MSH6):c.2643T>C (p.Gly881=)

Gene: MSH6 (mutS homolog 6; plus strand). Cytogenetic location: 2p16.3.
Variant type: single nucleotide variant.
Coding change: c.2643T>C on transcript NM_000179.3 (MANE Select); coding-DNA position 2643, T replaced by C.
Protein change: p.Gly881=; no amino-acid change (glycine 881 retained).
Molecular consequence: synonymous variant.
Genome position (GRCh38, 1-based): chr2:47,800,626, T>C. VCF-style: chr2-47800626-T-C. GRCh37 (hg19) VCF-style: chr2-48027765-T-C.
Other names: c.2253T>C, p.Gly751= (NM_001281492.2); c.1737T>C, p.Gly579= (NM_001281493.2, NM_001281494.2).
Identifiers: ClinVar variation 1550002 (VCV001550002.12), dbSNP rs1572727980, ClinGen allele CA426121928.